The following is an entry in ClinVar:

NM_015450.3(POT1):c.916A>G (p.Ile306Val)

Gene: POT1 (protection of telomeres 1; minus strand). Cytogenetic location: 7q31.33.
Variant type: single nucleotide variant.
Coding change: c.916A>G on transcript NM_015450.3 (MANE Select); coding-DNA position 916, A replaced by G.
Protein change: p.Ile306Val; replaces isoleucine 306 with valine.
Molecular consequence: missense variant. On other transcripts: non-coding transcript variant (3).
Genome position (GRCh38, 1-based): chr7:124,851,905, T>C on the plus strand (A>G on the coding strand, the complement: POT1 is on the minus strand). VCF-style: chr7-124851905-T-C. GRCh37 (hg19) VCF-style: chr7-124491959-T-C.
Other names: c.523A>G, p.Ile175Val (NM_001042594.2); short protein forms I306V, I175V.
Identifiers: ClinVar variation 942376 (VCV000942376.20), dbSNP rs1415345156, ClinGen allele CA369054364.
Genomic context (GRCh38, chr7:124,851,905, plus strand): 5'-ACTGTCAATGTTAAAGATTATCCTTACTTGGAAAGCTGTCGTCAGGTTCTGATTGACAGA[T>C]AACATCTGAATGCTGATTGGCTGTCAAATTTGCAGATTCTAAATCCCTATAATTGAAAGA-3'
Protein context (NP_056265.2, residues 296-316): NLTANQHSDV[Ile306Val]CQSEPDDSFP

ClinVar aggregate classification (germline): Conflicting classifications of pathogenicity. Review status: criteria provided, conflicting classifications (1 of 4 stars). 6 submissions from 6 submitters: Uncertain significance (2); Likely benign (2). 2 of the submissions do not count toward it. Last evaluated 2025-08-11.

Conditions:
Hereditary cancer-predisposing syndrome. Also called: Neoplastic Syndromes, Hereditary; Tumor predisposition; Hereditary Cancer Syndrome; Hereditary neoplastic syndrome. Identifiers: Orphanet 140162, MedGen C0027672, MeSH D009386, MONDO:0015356.
Tumor predisposition syndrome 3 (TPDS3). Also called: Glioma susceptibility 9; LONG TELOMERE SYNDROME, POT1-RELATED; POT1 Tumor Predisposition; Melanoma, cutaneous malignant, susceptibility to, 10. Identifiers: Orphanet 618, MedGen C4014476, MONDO:0014368, OMIM 615848.

Allele frequency attached by ClinVar (database versions not stated): gnomAD exomes below 0.00001 and 0.00001.
gnomAD v4.1: 4 of 1,611,720 alleles (0.00025%); highest among the groups gnomAD compares: Non-Finnish European, 0.00034%; no homozygotes.

Submissions (6):

Labcorp Genetics (formerly Invitae), Labcorp
Classification: Uncertain significance for Tumor predisposition syndrome 3. Last evaluated: 2025-08-11. Review status: criteria provided, single submitter. Criteria: Invitae Variant Classification Sherloc (09022015). Collection method: clinical testing. Allele origin: germline.
Comment: This sequence change replaces isoleucine, which is neutral and non-polar, with valine, which is neutral and non-polar, at codon 306 of the POT1 protein (p.Ile306Val). This variant is present in population databases (no rsID available, gnomAD 0.002%). This variant has not been reported in the literature in individuals affected with POT1-related conditions. ClinVar contains an entry for this variant (Variation ID: 942376). Invitae Evidence Modeling of protein sequence and biophysical properties (such as structural, functional, and spatial information, amino acid conservation, physicochemical variation, residue mobility, and thermodynamic stability) indicates that this missense variant is not expected to disrupt POT1 protein function with a negative predictive value of 80%. In summary, the available evidence is currently insufficient to determine the role of this variant in disease. Therefore, it has been classified as a Variant of Uncertain Significance.

Center for Genomic Medicine, Rigshospitalet, Copenhagen University Hospital
Classification: Likely benign. Last evaluated: 2025-03-04. Review status: criteria provided, single submitter. Criteria: ACMG Guidelines, 2015. Collection method: clinical testing. Allele origin: germline.

Ambry Genetics
Classification: Likely benign for Hereditary cancer-predisposing syndrome. Last evaluated: 2024-12-11. Review status: criteria provided, single submitter. Criteria: Ambry Variant Classification Scheme 2023. Collection method: clinical testing. Allele origin: germline.

Genetic Services Laboratory, University of Chicago
Classification: Uncertain significance. Last evaluated: 2021-01-11. Review status: criteria provided, single submitter. Criteria: ACMG Guidelines, 2015. Collection method: clinical testing. Allele origin: germline. Affected: no.
Comment: DNA sequence analysis of the POT1 gene demonstrated a sequence change, c.916A>G, in exon 11 that results in an amino acid change, p.Ile306Val. This sequence change does not appear to have been previously described in individuals with POT1-related disorders and has been described in the gnomAD database in two individuals with an overall population frequency of 0.0008% (dbSNP rs1415345156). The p.Ile306Val change affects a moderately conserved amino acid residue located in a domain of the POT1 protein that is not known to be functional. The p.Ile306Val substitution appears to be benign using several in-silico pathogenicity prediction tools (SIFT, PolyPhen2, Align GVGD, REVEL). Due to these contrasting evidences and the lack of functional studies, the clinical significance of the p.Ile306Val change remains unknown at this time.

Clinical Genetics DNA and cytogenetics Diagnostics Lab, Erasmus MC, Erasmus Medical Center
Classification: Likely benign. Review status: no assertion criteria provided. Collection method: clinical testing. Allele origin: germline. Affected: yes. Study: VKGL Data-share Consensus. Not counted in ClinVar's aggregate classification.

Genome Diagnostics Laboratory, University Medical Center Utrecht
Classification: Likely benign. Review status: no assertion criteria provided. Collection method: clinical testing. Allele origin: germline. Affected: yes. Study: VKGL Data-share Consensus. Not counted in ClinVar's aggregate classification.